The following is an entry in ClinVar:

ClinVar aggregate classification (germline): Pathogenic (1 of 4 stars; one submission).

Conditions:
Atransferrinemia. Also called: Familial hypotransferrinemia. Identifiers: Orphanet 1195, MedGen C0521802, MONDO:0008846, OMIM 209300, HP:0012239.

Submission:

Myriad Genetics, Inc.
Classification: Pathogenic for Atransferrinemia. Last evaluated: 2026-03-14. Review status: criteria provided, single submitter. Criteria: Myriad Autosomal Dominant, Autosomal Recessive and X-Linked Classification Criteria (2023). Collection method: clinical testing. Allele origin: unknown.
Comment: NM_001063.3(TF):c.1498delA(S500Vfs*23) is expected to be pathogenic in the context of atransferrinemia. This variant is predicted to lead to an abnormal or absent protein product due to the creation of a premature termination codon in TF, a gene where loss-of-function variants are known to be pathogenic. Please note: this variant was assessed in the context of healthy population screening.

NM_001063.4(TF):c.1498del (p.Ser500fs)

Gene: TF (transferrin; plus strand). Cytogenetic location: 3q22.1.
Variant type: Deletion.
Coding change: c.1498del on transcript NM_001063.4 (MANE Select); coding-DNA position 1498, one base deleted (A; older notation c.1498delA).
Protein change: p.Ser500fs; shifts the reading frame from serine 500.
Molecular consequence: frameshift variant.
Genome position (GRCh38, 1-based): chr3:133,768,040, A deleted. VCF-style (leftmost placement, unchanged base first): chr3-133768039-CA-C. GRCh37 (hg19) VCF-style: chr3-133486883-CA-C.
Other names: c.1366del, p.Ser456fs (NM_001354703.2); c.1117del, p.Ser373fs (NM_001354704.2); short protein forms S373fs, S456fs, S500fs.
Identifiers: ClinVar variation 5015676 (VCV005015676.1).
Genomic context (GRCh38, chr3:133,768,039, plus strand): 5'-TGCTTGCATTGACTCAGGAAAAGCTGACTTCCTCTTGTCCTTCTGCACAGATGAATTTTT[CA>C]GTGAAGGTTGTGCCCCTGGGTCTAAGAAAGACTCCAGTCTCTGTAAGCTGTGTATGGGCT-3'